The following is an entry in ClinVar:

ClinVar aggregate classification (germline): Benign/Likely benign. Review status: criteria provided, multiple submitters, no conflicts (2 of 4 stars). 7 submissions from 7 submitters: Benign (6); Likely benign (1). Last evaluated 2026-09-01.

Allele frequency attached by ClinVar (database versions not stated): 1000 Genomes Project 0.00659; 1000 Genomes Project 30x 0.00687; gnomAD 0.00891; ExAC 0.00958; gnomAD exomes 0.00978; TOPMed 0.01005.
gnomAD v4.1: 19,219 of 1,550,482 alleles (1.2%); highest among the groups gnomAD compares: Middle Eastern, 2.5%; 142 homozygotes.

Submissions (7):

CeGaT Center for Human Genetics Tuebingen
Classification: Benign. Last evaluated: 2026-09-01. Review status: criteria provided, single submitter. Criteria: CeGaT Center For Human Genetics Tuebingen Variant Classification Criteria Version 2. Collection method: clinical testing. Allele origin: germline. Affected: yes. Observed: 17 variant alleles.
Comment: OTOG: BP4, BP7, BS1, BS2

Labcorp Genetics (formerly Invitae), Labcorp
Classification: Benign. Last evaluated: 2026-02-02. Review status: criteria provided, single submitter. Criteria: Invitae Variant Classification Sherloc (09022015). Collection method: clinical testing. Allele origin: germline.

Blueprint Genetics
Classification: Likely benign. Last evaluated: 2024-11-27. Review status: criteria provided, single submitter. Criteria: ACMG Guidelines, 2015. Collection method: clinical testing. Allele origin: germline.

Athena Diagnostics
Classification: Benign. Last evaluated: 2018-11-16. Review status: criteria provided, single submitter. Criteria: Athena Diagnostics Criteria. Collection method: clinical testing. Allele origin: germline.

GeneDx
Classification: Benign. Last evaluated: 2018-06-04. Review status: criteria provided, single submitter. Criteria: GeneDx Variant Classification Process June 2021. Collection method: clinical testing. Allele origin: germline. Affected: yes.

Laboratory for Molecular Medicine, Mass General Brigham Personalized Medicine
Classification: Benign. Last evaluated: 2014-11-24. Review status: criteria provided, single submitter. Criteria: LMM Criteria. Collection method: clinical testing. Allele origin: germline. Observed: 26 variant alleles.
Comment: Asn1044Asn in exon 25 of OTOG: This variant is not expected to have clinical sig nificance because it does not alter an amino acid residue and is not located wit hin the splice consensus sequence. It has been identified in 4.5% (5/110) of Pue rto Rican chromosomes from a broad population by the 1000 Genomes Project (dbSNP rs75133799).

Breakthrough Genomics
Classification: Benign. Review status: criteria provided, single submitter. Criteria: ACMG Guidelines, 2015. Collection method: not provided. Allele origin: germline. Inheritance: Autosomal recessive inheritance. Affected: yes.

NM_001292063.2(OTOG):c.3096C>T (p.Asn1032=)

Gene: OTOG (otogelin; plus strand). Cytogenetic location: 11p15.1.
Variant type: single nucleotide variant.
Coding change: c.3096C>T on transcript NM_001292063.2 (MANE Select); coding-DNA position 3096, C replaced by T.
Protein change: p.Asn1032=; no amino-acid change (asparagine 1032 retained).
Molecular consequence: synonymous variant.
Genome position (GRCh38, 1-based): chr11:17,593,282, C>T. VCF-style: chr11-17593282-C-T. GRCh37 (hg19) VCF-style: chr11-17614829-C-T.
Other names: c.3132C>T, p.Asn1044= (NM_001277269.2).
Identifiers: ClinVar variation 226878 (VCV000226878.32), dbSNP rs75133799, ClinGen allele CA5905698.
Genomic context (GRCh38, chr11:17,593,282, plus strand): 5'-TGTAGAGAATGTGAACTGCTACAGCTCTGGCATGATCTGCAGGAAATTTATTTCCATCAA[C>T]GTTGGGAACTCACTCATTGTCTTTGATGATGACTCCGGAAATCCTGTAAGGCTCAGTGCC-3'
Protein context (NP_001278992.1, residues 1022-1042): GMICRKFISI[Asn1032=]VGNSLIVFDD